The following is an entry in ClinVar:

ClinVar aggregate classification (germline): Uncertain significance (1 of 4 stars; one submission).

Allele frequency attached by ClinVar (database versions not stated): gnomAD 0.00001; TOPMed 0.00001; gnomAD exomes 0.00002; ExAC 0.00003.
gnomAD v4.1: 26 of 1,574,502 alleles (0.0017%); highest among the groups gnomAD compares: East Asian, 0.0023%; no homozygotes.

Submission:

Labcorp Genetics (formerly Invitae), Labcorp
Classification: Uncertain significance. Last evaluated: 2022-06-03. Review status: criteria provided, single submitter. Criteria: Invitae Variant Classification Sherloc (09022015). Collection method: clinical testing. Allele origin: germline.
Comment: In summary, the available evidence is currently insufficient to determine the role of this variant in disease. Therefore, it has been classified as a Variant of Uncertain Significance. Algorithms developed to predict the effect of sequence changes on RNA splicing suggest that this variant may create or strengthen a splice site. Algorithms developed to predict the effect of missense changes on protein structure and function are either unavailable or do not agree on the potential impact of this missense change (SIFT: "Tolerated"; PolyPhen-2: "Possibly Damaging"; Align-GVGD: "Class C0"). This variant has not been reported in the literature in individuals affected with HSPG2-related conditions. This variant is present in population databases (rs764058346, gnomAD 0.004%). This sequence change replaces glycine, which is neutral and non-polar, with serine, which is neutral and polar, at codon 1905 of the HSPG2 protein (p.Gly1905Ser).

NM_005529.7(HSPG2):c.5713G>A (p.Gly1905Ser)

Gene: HSPG2 (heparan sulfate proteoglycan 2; minus strand). Cytogenetic location: 1p36.12.
Variant type: single nucleotide variant.
Coding change: c.5713G>A on transcript NM_005529.7 (MANE Select); coding-DNA position 5713, G replaced by A.
Protein change: p.Gly1905Ser; replaces glycine 1905 with serine.
Molecular consequence: missense variant.
Genome position (GRCh38, 1-based): chr1:21,855,664, C>T on the plus strand (G>A on the coding strand, the complement: HSPG2 is on the minus strand). VCF-style: chr1-21855664-C-T. GRCh37 (hg19) VCF-style: chr1-22182157-C-T.
Other names: c.5716G>A, p.Gly1906Ser (NM_001291860.2); short protein forms G1905S, G1906S.
Identifiers: ClinVar variation 2198101 (VCV002198101.4), dbSNP rs764058346, ClinGen allele CA671802.